The following is an entry in ClinVar:

ClinVar aggregate classification (germline): Conflicting classifications of pathogenicity. Review status: criteria provided, conflicting classifications (1 of 4 stars). 2 submissions from 2 submitters: Uncertain significance (1); Likely benign (1). Last evaluated 2025-08-22.

Conditions:
Inborn genetic diseases. Identifiers: MedGen C0950123, MeSH D030342.

Allele frequency attached by ClinVar (database versions not stated): gnomAD exomes below 0.00001.
gnomAD v4.1: 3 of 1,613,164 alleles (0.00019%); highest among the groups gnomAD compares: Non-Finnish European, 0.00017%; no homozygotes.

Submissions (2):

Ambry Genetics
Classification: Uncertain significance for Inborn genetic diseases. Last evaluated: 2025-08-22. Review status: criteria provided, single submitter. Criteria: Ambry Variant Classification Scheme 2023. Collection method: clinical testing. Allele origin: germline.

GeneDx
Classification: Likely benign. Last evaluated: 2015-01-27. Review status: criteria provided, single submitter. Criteria: GeneDx Variant Classification (06012015). Collection method: clinical testing. Allele origin: germline. Affected: yes.
Comment: This variant is considered likely benign or benign based on one or more of the following criteria: it is a conservative change, it occurs at a poorly conserved position in the protein, it is predicted to be benign by multiple in silico algorithms, and/or has population frequency not consistent with disease.

NM_017547.4(FOXRED1):c.434T>C (p.Val145Ala)

Gene: FOXRED1 (FAD dependent oxidoreductase domain containing 1; plus strand). Cytogenetic location: 11q24.2.
Variant type: single nucleotide variant.
Coding change: c.434T>C on transcript NM_017547.4 (MANE Select); coding-DNA position 434, T replaced by C.
Protein change: p.Val145Ala; replaces valine 145 with alanine.
Molecular consequence: missense variant. On other transcripts: non-coding transcript variant (2).
Genome position (GRCh38, 1-based): chr11:126,273,352, T>C. VCF-style: chr11-126273352-T-C. GRCh37 (hg19) VCF-style: chr11-126143247-T-C.
Other names: p.V145A:GTC>GCC; short protein forms V145A.
Identifiers: ClinVar variation 214436 (VCV000214436.2), dbSNP rs863224018, ClinGen allele CA323046.